The following is an entry in ClinVar:

ClinVar aggregate classification (germline): Uncertain significance (1 of 4 stars; one submission).

Conditions:
Inborn genetic diseases. Identifiers: MedGen C0950123, MeSH D030342.

gnomAD v4.1: 2 of 1,614,134 alleles (0.00012%); highest among the groups gnomAD compares: East Asian, 0.0022%; no homozygotes.

Submission:

Ambry Genetics
Classification: Uncertain significance for Inborn genetic diseases. Last evaluated: 2025-02-02. Review status: criteria provided, single submitter. Criteria: Ambry Variant Classification Scheme 2023. Collection method: clinical testing. Allele origin: germline.
Comment: The p.S174N variant (also known as c.521G>A), located in coding exon 1 of the SAMD9L gene, results from a G to A substitution at nucleotide position 521. The serine at codon 174 is replaced by asparagine, an amino acid with highly similar properties. This amino acid position is conserved. In addition, this alteration is predicted to be tolerated by in silico analysis. Based on the available evidence, the clinical significance of this variant remains unclear.

NM_152703.5(SAMD9L):c.521G>A (p.Ser174Asn)

Gene: SAMD9L (sterile alpha motif domain containing 9 like; minus strand). Cytogenetic location: 7q21.2.
Variant type: single nucleotide variant.
Coding change: c.521G>A on transcript NM_152703.5 (MANE Select); coding-DNA position 521, G replaced by A.
Protein change: p.Ser174Asn; replaces serine 174 with asparagine.
Molecular consequence: missense variant.
Genome position (GRCh38, 1-based): chr7:93,135,451, C>T on the plus strand (G>A on the coding strand, the complement: SAMD9L is on the minus strand). VCF-style: chr7-93135451-C-T. GRCh37 (hg19) VCF-style: chr7-92764764-C-T.
Other names: c.521G>A, p.Ser174Asn (NM_001303496.3, NM_001303497.3, NM_001303498.3 and 5 more transcripts); short protein forms S174N.
Identifiers: ClinVar variation 3792378 (VCV003792378.1).
Genomic context (GRCh38, chr7:93,135,451, plus strand): 5'-TCAATGAGATTGAGTGCTCCTGTTTCAGGTTGTAGAGTATAATGTTCTATGTAGCGATGG[C>T]TGTCATGGAACTGATCAAAAGGATATGGCATACAAGTCAATTGTTCAGGTTTTAGCTTAC-3'
Protein context (NP_689916.2, residues 164-184): MPYPFDQFHD[Ser174Asn]HRYIEHYTLQ